The following is an entry in ClinVar:

NC_000004.11:g.(?_128886207)_(128886288_?)dup

Gene: MFSD8 (major facilitator superfamily domain containing 8; minus strand). Cytogenetic location: 4q28.2.
Variant type: Duplication.
Identifiers: ClinVar variation 2427411 (VCV002427411.3).

ClinVar aggregate classification (germline): Uncertain significance (1 of 4 stars; one submission).

Conditions:
Neuronal ceroid lipofuscinosis 7 (CLN7). Also called: MFSD8-Related Neuronal Ceroid-Lipofuscinosis. Identifiers: Orphanet 168491, Orphanet 228366, MedGen C1838571, MONDO:0012588, OMIM 610951.

Submission:

Labcorp Genetics (formerly Invitae), Labcorp
Classification: Uncertain significance for Neuronal ceroid lipofuscinosis 7. Last evaluated: 2022-07-24. Review status: criteria provided, single submitter. Criteria: Invitae Variant Classification Sherloc (09022015). Collection method: clinical testing. Allele origin: germline.
Comment: This variant results in a copy number gain of the genomic region encompassing exon(s) 2 of the MFSD8 gene. This region includes the initiator codon of the gene. This copy number gain extends beyond the assayed region for this gene and therefore may encompass additional genes. As the precise location of this event is unknown, it may be in tandem or it may be located elsewhere in the genome. This variant has not been reported in the literature in individuals affected with MFSD8-related conditions. Experimental studies and prediction algorithms are not available or were not evaluated, and the functional significance of this variant is currently unknown. In summary, the available evidence is currently insufficient to determine the role of this variant in disease. Therefore, it has been classified as a Variant of Uncertain Significance.